The following is an entry in ClinVar:

ClinVar aggregate classification (germline): Benign. Review status: criteria provided, multiple submitters, no conflicts (2 of 4 stars). 5 submissions from 5 submitters: Benign (3). 2 of the submissions do not count toward it. Last evaluated 2026-01-27.

Conditions:
TARS2-related disorder. Also called: TARS2-related condition.

Allele frequency attached by ClinVar (database versions not stated): gnomAD exomes 0.01187 and 0.03862; ExAC 0.03477; ESP Exome Variant Server 0.04352; gnomAD 0.04789 and 0.04914; TOPMed 0.06095; 1000 Genomes Project 0.07208; 1000 Genomes Project 30x 0.07714.
gnomAD v4.1: 24,673 of 1,612,718 alleles (1.5%); highest among the groups gnomAD compares: Admixed American, 14%; 1,745 homozygotes.

Submissions (5):

Labcorp Genetics (formerly Invitae), Labcorp
Classification: Benign. Last evaluated: 2026-01-27. Review status: criteria provided, single submitter. Criteria: Invitae Variant Classification Sherloc (09022015). Collection method: clinical testing. Allele origin: germline.

GeneDx
Classification: Benign. Last evaluated: 2015-12-10. Review status: criteria provided, single submitter. Criteria: GeneDx Variant Classification (06012015). Collection method: clinical testing. Allele origin: germline. Affected: yes.
Comment: This variant is considered likely benign or benign based on one or more of the following criteria: it is a conservative change, it occurs at a poorly conserved position in the protein, it is predicted to be benign by multiple in silico algorithms, and/or has population frequency not consistent with disease.

Breakthrough Genomics
Classification: Benign. Review status: criteria provided, single submitter. Criteria: ACMG Guidelines, 2015. Collection method: not provided. Allele origin: germline. Inheritance: Autosomal recessive inheritance. Affected: yes.

PreventionGenetics, part of Exact Sciences
Classification: Benign for TARS2-related condition. Last evaluated: 2020-01-22. Review status: no assertion criteria provided. Collection method: clinical testing. Allele origin: germline. Not counted in ClinVar's aggregate classification.
Comment: This variant is classified as benign based on ACMG/AMP sequence variant interpretation guidelines (Richards et al. 2015 PMID: 25741868, with internal and published modifications).

Mayo Clinic Laboratories, Mayo Clinic
Classification: Benign. Last evaluated: 2016-03-16. Review status: no assertion criteria provided. Collection method: clinical testing. Allele origin: unknown. Not counted in ClinVar's aggregate classification.

NM_025150.5(TARS2):c.81C>T (p.Thr27=)

Gene: TARS2 (threonyl-tRNA synthetase 2, mitochondrial; plus strand). Cytogenetic location: 1q21.2.
Variant type: single nucleotide variant.
Coding change: c.81C>T on transcript NM_025150.5 (MANE Select); coding-DNA position 81, C replaced by T.
Protein change: p.Thr27=; no amino-acid change (threonine 27 retained).
Molecular consequence: synonymous variant. On other transcripts: non-coding transcript variant (2).
Genome position (GRCh38, 1-based): chr1:150,487,872, C>T. VCF-style: chr1-150487872-C-T. GRCh37 (hg19) VCF-style: chr1-150460348-C-T.
Other names: c.81C>T, p.Thr27= (NM_001271895.2, NM_001271896.2).
Identifiers: ClinVar variation 380568 (VCV000380568.16), dbSNP rs2275245, ClinGen allele CA1076589.